The following is an entry in ClinVar:

ClinVar aggregate classification (germline): Likely pathogenic. Review status: reviewed by expert panel (3 of 4 stars). 6 submissions from 6 submitters: Likely pathogenic (1). 5 of the submissions do not count toward it. Last evaluated 2025-06-09.

Conditions:
HNF1A-related disorder. Also called: HNF1A-related condition.
Monogenic diabetes. Identifiers: Orphanet 183625, MedGen C3888631, MONDO:0015967.
Maturity-onset diabetes of the young (MODY). Also called: Maturity onset diabetes mellitus in young. Identifiers: Orphanet 552, MedGen C0342276, MONDO:0018911, HP:0004904.
Maturity-onset diabetes of the young type 3. Also called: MODY type 3; MODY, type III. Identifiers: Orphanet 552, MedGen C1838100, MeSH C563933, MONDO:0010894, OMIM 600496. Disease mechanism: loss of function.

Submissions (6):

ClinGen Monogenic Diabetes Variant Curation Expert Panel
Classification: Likely pathogenic for Monogenic diabetes. Last evaluated: 2025-06-09. Review status: reviewed by expert panel. Criteria: ClinGen Diabetes ACMG Specifications HNF1A V2.1.0. Collection method: curation. Allele origin: germline. Inheritance: Autosomal dominant inheritance.
Comment: The c.375_377dup variant in the HNF1 homeobox A gene, HNF1A, is a 3 base pair insertion resulting in the in-frame addition of 1 amino acid at codon 125 (p.Gln125dup) within exon 2 of NM_000545.8. The c.375_377dup variant is predicted to change the length of the protein due to an in-frame insertion of a single amino acid in a nonrepeat region (PM4_Supporting). This variant is also located within a conserved region of the DNA binding domain (codons 107-174 and 201-280) of HNF1A, which is defined as critical for the protein’s function by the ClinGen MDEP (PM1_Supporting). This variant is absent from gnomAD v2.1.1 and v4.1.0 (PM2_Supporting). Additionally, this variant was identified in an individual with a clinical history highly specific for HNF1A-MODY (MODY probability calculator result >50%, negative genetic testing for HNF4A, and response to low dose sulfonylureas) (PP4_Moderate; internal lab contributors). This variant segregated with diabetes, with 8 informative meioses in 2 families with MODY (PP1_Strong; internal lab contributors). In summary, c.375_377dup meets the criteria to be classified as likely pathogenic for monogenic diabetes. ACMG/AMP criteria applied, as specified by the ClinGen MDEP (specification version 2.1.0, approved 8/11/23): PM4_Supporting, PM1_Supporting, PM2_Supporting, PP4_Moderate, PP1_Strong.

Athena Diagnostics
Classification: Uncertain significance. Last evaluated: 2024-05-21. Review status: criteria provided, single submitter. Criteria: Athena Diagnostics Criteria. Collection method: clinical testing. Allele origin: unknown. Not counted in ClinVar's aggregate classification.
Comment: Available data are insufficient to determine the clinical significance of the variant at this time. This variant has not been reported in large, multi-ethnic general populations. This variant has been identified in at least one individual with clinical features associated with this gene. Computational tools yielded predictions that this variant is unlikely to have an effect on normal RNA splicing. The variant is located in a region that is considered important for protein function and/or structure.

Labcorp Genetics (formerly Invitae), Labcorp
Classification: Uncertain significance. Last evaluated: 2022-02-17. Review status: criteria provided, single submitter. Criteria: Invitae Variant Classification Sherloc (09022015). Collection method: clinical testing. Allele origin: germline. Not counted in ClinVar's aggregate classification.
Comment: This variant, c.375_377dup, results in the insertion of 1 amino acid(s) of the HNF1A protein (p.Gln125dup), but otherwise preserves the integrity of the reading frame. This variant is not present in population databases (gnomAD no frequency). This variant has been observed in individual(s) with clinical features of maturity-onset diabetes of the young (PMID: 23348805; Invitae). ClinVar contains an entry for this variant (Variation ID: 36820). Experimental studies and prediction algorithms are not available or were not evaluated, and the functional significance of this variant is currently unknown. Algorithms developed to predict the effect of sequence changes on RNA splicing suggest that this variant is not likely to affect RNA splicing. In summary, the available evidence is currently insufficient to determine the role of this variant in disease. Therefore, it has been classified as a Variant of Uncertain Significance.

Women's Health and Genetics/Laboratory Corporation of America, LabCorp
Classification: Likely pathogenic for MODY3. Last evaluated: 2011-08-18. Review status: criteria provided, single submitter. Criteria: LabCorp Variant Classification Summary - May 2015. Collection method: curation, clinical testing. Allele origin: germline. Inheritance: autosomal unknown. Affected: yes. Not counted in ClinVar's aggregate classification.
ClinVar note: Converted during submission from likely pathogenic to Likely pathogenic.

Clinical Genomics, Uppaluri K&H Personalized Medicine Clinic
Classification: Uncertain significance for Maturity-onset diabetes of the young. Review status: criteria provided, single submitter. Criteria: K & H Uppaluri Personalized Medicine Clinic Variant Classification & Assertion Criteria_Updated V.1. Collection method: research. Allele origin: unknown. Inheritance: Autosomal dominant inheritance. Not counted in ClinVar's aggregate classification.
Comment: Mutations in HNF1A gene can predispose to MODY3. It is associated with both micro and macrovascular complications of diabetes, especially cardiovascular complications. Associated with glucosuria. May respond well to sulfonylureas. However, more evidence is required to confer the association of this particular variant rs193922596 with MODY3.

PreventionGenetics, part of Exact Sciences
Classification: Likely pathogenic for HNF1A-related condition. Last evaluated: 2024-07-25. Review status: no assertion criteria provided. Collection method: clinical testing. Allele origin: germline. Not counted in ClinVar's aggregate classification.
Comment: The HNF1A c.375_377dupGCA variant is predicted to result in an in-frame duplication (p.Gln125dup). This variant has been reported in an individual with familial noninsulin-dependent diabetes mellitus (Table S1, Colclough et al. 2013. PubMed ID: 23348805). This variant is located within a conserved region of the DNA binding domain of HNF1A, which is defined as critical for the protein’s function by the ClinGen expert panel. This variant has not been reported in a large population database, indicating this variant is rare. This variant is classified as likely pathogenic by ClinGen Monogenic Diabetes Variant Curation Expert Panel. This variant is interpreted as likely pathogenic.

Literature cited by the submitters: PubMed 38635808 (cited by Athena Diagnostics); PubMed 23348805 (cited by Athena Diagnostics and Labcorp Genetics (formerly Invitae), Labcorp); PubMed 31517624 (cited by Clinical Genomics, Uppaluri K&H Personalized Medicine Clinic); PubMed 35328643 (cited by Clinical Genomics, Uppaluri K&H Personalized Medicine Clinic); PubMed 32395877 (cited by Clinical Genomics, Uppaluri K&H Personalized Medicine Clinic); PubMed 35673428 (cited by Clinical Genomics, Uppaluri K&H Personalized Medicine Clinic).

NM_000545.8(HNF1A):c.369GCA[4] (p.Gln125dup)

Gene: HNF1A (HNF1 homeobox A; plus strand). Cytogenetic location: 12q24.31.
Variant type: Microsatellite.
Coding change: c.369GCA[4] on transcript NM_000545.8 (MANE Select); four copies in a row of the 3-base unit GCA starting at c.369; the reference has three copies in a row; one copy, 3 bases duplicated; also written c.375_377dup.
Protein change: p.Gln125dup; duplicates glutamine 125.
Molecular consequence: inframe insertion.
Genome position (GRCh38, 1-based): chr12:120,988,881-120,988,883, GCA duplicated; duplicating any 3 consecutive bases within chr12:120,988,875-120,988,883 gives the same sequence; the position shown is the placement nearest the transcript's 3' end. VCF-style (leftmost placement, unchanged base first): chr12-120988874-T-TGCA. GRCh37 (hg19) VCF-style: chr12-121426677-T-TGCA.
Other names: NM_000545.8(HNF1A):c.369GCA[4]; c.375_377dup (NM_000545.5); c.375_377dupGCA (NM_000545.6); c.369GCA[4], p.Gln125dup (NM_001306179.2).
Identifiers: ClinVar variation 36820 (VCV000036820.16), dbSNP rs193922596, ClinGen allele CA214301.